The following is an entry in ClinVar:

NC_000001.10:g.(?_227149087)_(227174438_?)dup

Gene: COQ8A (coenzyme Q8A; plus strand). Cytogenetic location: 1q42.13.
Variant type: Duplication.
Identifiers: ClinVar variation 2426534 (VCV002426534.4).

ClinVar aggregate classification (germline): Uncertain significance (1 of 4 stars; one submission).

Submission:

Labcorp Genetics (formerly Invitae), Labcorp
Classification: Uncertain significance. Last evaluated: 2023-06-29. Review status: criteria provided, single submitter. Criteria: Invitae Variant Classification Sherloc (09022015). Collection method: clinical testing. Allele origin: germline.
Comment: In summary, the available evidence is currently insufficient to determine the role of this variant in disease. Therefore, it has been classified as a Variant of Uncertain Significance. Isolated whole-gene copy number gains of COQ8A have not been reported in the literature. However, larger copy number events that include this gene have been reported (PMID: 27793482). A copy number gain of the genomic region encompassing the full coding sequence of the COQ8A gene has been identified. The boundaries of this event are unknown as they extend beyond the assayed region for this gene and therefore may encompass additional genes. As the precise location of this event is unknown, it may be in tandem or it may be located elsewhere in the genome.

Literature cited by the submitters: PubMed 27793482.